The following is an entry in ClinVar:

ClinVar aggregate classification (germline): Pathogenic. Review status: criteria provided, multiple submitters, no conflicts (2 of 4 stars). 28 submissions from 26 submitters: Pathogenic (23). 5 of the submissions do not count toward it. Last evaluated 2026-09-10.

Conditions:
Monogenic hearing loss.
SLC26A4-related disorder. Also called: SLC26A4-related condition; SLC26A4-related disorders.
Rare genetic deafness. Identifiers: Orphanet 96210, MedGen C5680250.
Pendred syndrome (PDS). Also called: DEAFNESS WITH GOITER; Pendred Syndrome (PDS); GOITER-DEAFNESS SYNDROME; HYPOTHYROIDISM, CONGENITAL, DUE TO DYSHORMONOGENESIS, 2B; Pendred's syndrome; THYROID DYSHORMONOGENESIS 2B. Identifiers: Orphanet 705, MedGen C0271829, MONDO:0010134, OMIM 274600.
Autosomal recessive nonsyndromic hearing loss 4 (DFNB4). Also called: Deafness, autosomal recessive 4, with enlarged vestibular aqueduct; NEUROSENSORY NONSYNDROMIC RECESSIVE DEAFNESS 4; Deafness, autosomal recessive 4; Enlarged vestibular aqueduct, digenic; DEAFNESS, AUTOSOMAL RECESSIVE 4, WITH ENLARGED VESTIBULAR AQUEDUCT, DIGENIC; Nonsyndromic enlarged vestibular aqueduct (NSEVA). Identifiers: Orphanet 90636, MedGen C3538946, MONDO:0010933, OMIM 600791.

Allele frequency attached by ClinVar (database versions not stated): gnomAD 0.00008; TOPMed 0.00008; ExAC 0.00009; gnomAD exomes 0.00015 and 0.00010.
gnomAD v4.1: 224 of 1,612,682 alleles (0.014%); highest among the groups gnomAD compares: Non-Finnish European, 0.018%; no homozygotes.

Submissions 1 to 11 of 28:

PreventionGenetics, part of Exact Sciences
Classification: Pathogenic for SLC26A4-related condition. Last evaluated: 2026-09-10. Review status: criteria provided, single submitter. Criteria: ACMG Guidelines, 2015. Collection method: clinical testing. Allele origin: germline.
Comment: The SLC26A4 c.1334T>G variant is predicted to result in the amino acid substitution p.Leu445Trp. This variant has been reported to be causative for autosomal recessive Pendred syndrome (Rebeh et al. 2009. PubMed ID: 20128824; Choi et al. 2009. PubMed ID: 19204907; van Hauwe et al. 1998. PubMed ID: 9618166; de Moraes et al. 2013. PubMed ID: 23273637; Ladsous et al. 2014. PubMed ID: 24224479). In vitro functional study showed that this variant results in retention of the pendrin protein in the endoplasmic reticulum with no cell surface expression (Choi et al. 2009. PubMed ID: 19204907). This variant is interpreted as pathogenic.

Victorian Clinical Genetics Services, Murdoch Childrens Research Institute
Classification: Pathogenic for Pendred syndrome. Last evaluated: 2026-07-08. Review status: criteria provided, single submitter. Criteria: ACMG Guidelines, 2015. Collection method: clinical testing. Allele origin: germline. Affected: yes.
Comment: This variant is classified as Pathogenic. Evidence in support of pathogenic classification: This variant is present in gnomAD <0.01 for a recessive condition (v4: 224 heterozygote(s), 0 homozygote(s)); This variant has strong previous evidence of pathogenicity in unrelated individuals. This variant has been reported in at least ten individuals with either deafness with enlarged vestibular aqueduct (MIM#600791) or Pendred syndrome (MIM#274600). It has also been classified as pathogenic by diagnostic laboratories in ClinVar (PMID: 24224479, 26752218); Missense variant predicted to be damaging by in silico tool(s) and/or highly conserved with a major amino acid change. Additional information: This variant is predicted to result in a missense amino acid change from Leu to Trp; This variant is heterozygous; This gene is associated with autosomal recessive disease; Alternative amino acid change(s) at the same position are present in gnomAD (highest allele count: v4: 1 heterozygote(s), 0 homozygote(s)); Variant is located in the annotated sulfate permease domain (DECIPHER); Loss of function is a known mechanism of disease in this gene and is associated with deafness with enlarged vestibular aqueduct (MIM#600791), and Pendred syndrome (MIM#274600); Variants in this gene are known to have variable expressivity (PMID: 20301640); Heterozygous variant detected in trans with a second pathogenic heterozygous variant (NM_000441.2(SLC26A4):c.1614+1G>A) in a recessive disease.

Natera, Inc.
Classification: Pathogenic for Pendred syndrome. Last evaluated: 2026-01-28. Review status: criteria provided, single submitter. Criteria: Natera Variant Classification Schema (03/2026). Collection method: clinical testing. Allele origin: germline.
Comment: The c.1334T>G variant in SLC26A4 is a missense variant predicted to cause substitution of leucine to tryptophan at amino acid 445. This variant is rare in the general population with a frequency below the threshold expected for the associated phenotype(s). This variant has been observed in one or more individuals affected with the associated recessive disease, as either homozygous or compound heterozygous with a second variant (PMID: 24224479). Additionally, this variant has been observed to segregate in affected family members (PMID: 24224479). Computational prediction algorithms indicate this variant is likely to affect gene or protein function. Given the available evidence, this variant is classified as Pathogenic.

Labcorp Genetics (formerly Invitae), Labcorp
Classification: Pathogenic. Last evaluated: 2026-01-20. Review status: criteria provided, single submitter. Criteria: Invitae Variant Classification Sherloc (09022015). Collection method: clinical testing. Allele origin: germline.
Comment: This sequence change replaces leucine, which is neutral and non-polar, with tryptophan, which is neutral and slightly polar, at codon 445 of the SLC26A4 protein (p.Leu445Trp). This variant is present in population databases (rs111033307, gnomAD 0.02%). This missense change has been observed in individuals with clinical features of Pendred syndrome (PMID: 9618166, 19204907, 20128824, 24224479, 26752218). ClinVar contains an entry for this variant (Variation ID: 4829). Invitae Evidence Modeling of protein sequence and biophysical properties (such as structural, functional, and spatial information, amino acid conservation, physicochemical variation, residue mobility, and thermodynamic stability) indicates that this missense variant is expected to disrupt SLC26A4 protein function with a positive predictive value of 95%. Experimental studies have shown that this missense change affects SLC26A4 function (PMID: 19204907, 20128824, 26752218). For these reasons, this variant has been classified as Pathogenic.

Genetics Research Center, University of Social Welfare and Rehabilitation Sciences
Classification: Pathogenic for Autosomal recessive nonsyndromic hearing loss 4. Last evaluated: 2025-12-09. Review status: criteria provided, single submitter. Criteria: ACMG Guidelines, 2015. Collection method: research. Allele origin: germline. Affected: yes.
Comment: The variant is present at a very low frequency in the gnomAD v2.1.1 dataset (allele frequency: 0.01%). The variant is predicted to be damaging by multiple in-silico tools. previous studies have reported its association with SLC26A4-related disorders (PMID: 18813951, 31020658, 31228605, 25290043, 26752218, 23185506, 28541280, 23965030, 25372295, 27792752, 26029705, 19615760, 31599023, 27771369, 28964290, 33614372, 210128824, 20597900, 15689455, 15355436, 11748854, 16570074, 18285825, 19204907, 10874637, 23273637, 32645618,24224479, 10602116, 29048421, 31589614, 26226137, 16773579, 9618166). Experimental studies have shown that this missense change affects SLC26A4 function (PMID: 19204907, 20128824, 26752218).

Genetics Laboratory, Great Ormond Street Hospital NHS Foundation Trust, North Thames Genomic Laboratory Hub
Classification: Pathogenic for Monogenic hearing loss. Last evaluated: 2025-10-17. Review status: criteria provided, single submitter. Criteria: ACGS Best Practice Guidelines for Variant Classification in Rare Disease 2024 v1.2. Collection method: clinical testing. Allele origin: germline. Affected: yes.
Comment: PM2_supporting, PP3_supporting, PS3_supporting, PM3_very-strong, PP4_supporting

Blueprint Genetics
Classification: Pathogenic for SLC26A4-related disorders. Last evaluated: 2024-09-17. Review status: criteria provided, single submitter. Criteria: ACMG Guidelines, 2015. Collection method: clinical testing. Allele origin: germline. Affected: yes. Observed: 5 variant alleles.

Women's Health and Genetics/Laboratory Corporation of America, LabCorp
Classification: Pathogenic for Pendred syndrome. Last evaluated: 2024-08-02. Review status: criteria provided, single submitter. Criteria: LabCorp Variant Classification Summary - May 2015. Collection method: clinical testing. Allele origin: germline.
Comment: Variant summary: SLC26A4 c.1334T>G (p.Leu445Trp) results in a non-conservative amino acid change located in the SLC26A/SulP transporter domain (IPR011547) of the encoded protein sequence. Five of five in-silico tools predict a damaging effect of the variant on protein function. The variant allele was found at a frequency of 0.0001 in 250764 control chromosomes. This frequency is not significantly higher than estimated for a pathogenic variant in SLC26A4 causing Pendred Syndrome (0.0001 vs 0.0035), allowing no conclusion about variant significance. c.1334T>G has been reported in the literature in multiple homozygous and compound heterozygous individuals affected with Pendred Syndrome (e.g. van Hauwe_1998, Mey_2019). These data indicate that the variant is very likely to be associated with disease. The following publications have been ascertained in the context of this evaluation (PMID: 9618166, 31633822). ClinVar contains an entry for this variant (Variation ID: 4829). Based on the evidence outlined above, the variant was classified as pathogenic.

Baylor Genetics
Classification: Pathogenic for Autosomal recessive nonsyndromic hearing loss 4. Last evaluated: 2024-03-19. Review status: criteria provided, single submitter. Criteria: ACMG Guidelines, 2015. Collection method: clinical testing. Allele origin: unknown.

Genomic Medicine Center of Excellence, King Faisal Specialist Hospital and Research Centre
Classification: Pathogenic for Autosomal recessive nonsyndromic hearing loss 4. Last evaluated: 2024-03-17. Review status: criteria provided, single submitter. Criteria: ACMG Guidelines, 2015. Collection method: research. Allele origin: germline.

Fulgent Genetics
Classification: Pathogenic for Pendred syndrome; Autosomal recessive nonsyndromic hearing loss 4. Last evaluated: 2024-03-06. Review status: criteria provided, single submitter. Criteria: ACMG Guidelines, 2015. Collection method: clinical testing. Allele origin: germline.

NM_000441.2(SLC26A4):c.1334T>G (p.Leu445Trp)

Gene: SLC26A4 (solute carrier family 26 member 4; plus strand). Cytogenetic location: 7q22.3.
Variant type: single nucleotide variant.
Coding change: c.1334T>G on transcript NM_000441.2 (MANE Select); coding-DNA position 1334, T replaced by G.
Protein change: p.Leu445Trp; replaces leucine 445 with tryptophan.
Molecular consequence: missense variant.
Genome position (GRCh38, 1-based): chr7:107,694,473, T>G. VCF-style: chr7-107694473-T-G. GRCh37 (hg19) VCF-style: chr7-107334918-T-G.
Other names: short protein forms L445W.
Identifiers: ClinVar variation 4829 (VCV000004829.52), dbSNP rs111033307, ClinGen allele CA253309.
Genomic context (GRCh38, chr7:107,694,473, plus strand): 5'-TCATCTCTGCTGCGATTGTGATGATCGCCATTCTTGCCCTGGGGAAGCTTCTGGAACCCT[T>G]GCAGAAGGTATAACCCTGCTTCTCTGCATACCGATTGCATAATTTCCCTTCACTACTCTG-3'
Protein context (NP_000432.1, residues 435-455): ILALGKLLEP[Leu445Trp]QKSVLAAVVI